The following is an entry in ClinVar:

ClinVar aggregate classification (germline): Benign/Likely benign. Review status: criteria provided, multiple submitters, no conflicts (2 of 4 stars). 2 submissions from 2 submitters: Benign (1); Likely benign (1). Last evaluated 2024-07-17.

Conditions:
BAP1-related tumor predisposition syndrome (TPDS1). Also called: TUMOR PREDISPOSITION SYNDROME 1; BAP1 tumor predisposition syndrome; Tumor susceptibility linked to germline BAP1 mutations; COMMON Syndrome. Identifiers: Orphanet 289539, MedGen C3280492, MONDO:0013692, OMIM 614327.

gnomAD v4.1: 2 of 1,614,238 alleles (0.00012%); highest among the groups gnomAD compares: Non-Finnish European, 0.00017%; no homozygotes.

Submissions (2):

Myriad Genetics, Inc.
Classification: Benign for BAP1-related tumor predisposition syndrome. Last evaluated: 2024-07-17. Review status: criteria provided, single submitter. Criteria: Myriad Autosomal Dominant, Autosomal Recessive and X-Linked Classification Criteria (2023). Collection method: clinical testing. Allele origin: unknown.
Comment: This variant is considered benign. This variant is a silent/synonymous amino acid change and it is not expected to impact splicing.

Labcorp Genetics (formerly Invitae), Labcorp
Classification: Likely benign for BAP1-related tumor predisposition syndrome. Last evaluated: 2024-03-11. Review status: criteria provided, single submitter. Criteria: Invitae Variant Classification Sherloc (09022015). Collection method: clinical testing. Allele origin: germline.

NM_004656.4(BAP1):c.1962A>G (p.Val654=)

Gene: BAP1 (BRCA1 associated deubiquitinase 1; minus strand). Cytogenetic location: 3p21.1.
Variant type: single nucleotide variant.
Coding change: c.1962A>G on transcript NM_004656.4 (MANE Select); coding-DNA position 1962, A replaced by G.
Protein change: p.Val654=; no amino-acid change (valine 654 retained).
Molecular consequence: synonymous variant.
Genome position (GRCh38, 1-based): chr3:52,402,800, T>C on the plus strand (A>G on the coding strand, the complement: BAP1 is on the minus strand). VCF-style: chr3-52402800-T-C. GRCh37 (hg19) VCF-style: chr3-52436816-T-C.
Other names: c.1908A>G, p.Val636= (NM_001410772.1).
Identifiers: ClinVar variation 1914861 (VCV001914861.6), dbSNP rs148624125, ClinGen allele CA433885736.